The following is an entry in ClinVar:

NM_024757.5(EHMT1):c.3245G>C (p.Cys1082Ser)

Gene: EHMT1 (euchromatic histone lysine methyltransferase 1; plus strand). Cytogenetic location: 9q34.3.
Variant type: single nucleotide variant.
Coding change: c.3245G>C on transcript NM_024757.5 (MANE Select); coding-DNA position 3245, G replaced by C.
Protein change: p.Cys1082Ser; replaces cysteine 1082 with serine.
Molecular consequence: missense variant.
Genome position (GRCh38, 1-based): chr9:137,814,495, G>C. VCF-style: chr9-137814495-G-C. GRCh37 (hg19) VCF-style: chr9-140708947-G-C.
Other names: c.3224G>C, p.Cys1075Ser (NM_001354263.2); short protein forms C1075S, C1082S.
Identifiers: ClinVar variation 1706978 (VCV001706978.2), dbSNP rs2538687817, ClinGen allele CA375795031.

ClinVar aggregate classification (germline): Uncertain significance (1 of 4 stars; one submission).

Submission:

GeneDx
Classification: Uncertain significance. Last evaluated: 2022-03-22. Review status: criteria provided, single submitter. Criteria: GeneDx Variant Classification Process June 2021. Collection method: clinical testing. Allele origin: germline. Affected: yes.
Comment: Not observed at significant frequency in large population cohorts (gnomAD); In silico analysis supports that this missense variant has a deleterious effect on protein structure/function; Has not been previously published as pathogenic or benign to our knowledge